The following is an entry in ClinVar:

NM_006186.4(NR4A2):c.361TAC[1] (p.Tyr122del)

Gene: NR4A2 (nuclear receptor subfamily 4 group A member 2; minus strand). Cytogenetic location: 2q24.1.
Variant type: Microsatellite.
Coding change: c.361TAC[1] on transcript NM_006186.4 (MANE Select); one copy of the 3-base unit TAC starting at c.361; the reference has two copies in a row; one copy, 3 bases deleted.
Protein change: p.Tyr122del; deletes tyrosine 122.
Molecular consequence: inframe deletion.
Genome position (GRCh38, 1-based): chr2:156,329,821-156,329,823, GTA deleted on the plus strand (TAC on the coding strand, the reverse complement: NR4A2 is on the minus strand); deleting any 3 consecutive bases within chr2:156,329,821-156,329,826 gives the same sequence; the position shown is the placement nearest the transcript's 3' end. VCF-style (leftmost placement, unchanged base first): chr2-156329820-TGTA-T. GRCh37 (hg19) VCF-style: chr2-157186332-TGTA-T.
Other names: c.172TAC[1], p.Tyr59del (NM_173173.3); short protein forms Y122del, Y59del.
Identifiers: ClinVar variation 4975046 (VCV004975046.1).

ClinVar aggregate classification (germline): Likely pathogenic (1 of 4 stars; one submission).

Submission:

GeneDx
Classification: Likely pathogenic. Last evaluated: 2026-03-16. Review status: criteria provided, single submitter. Criteria: GeneDx Variant Classification Process June 2021. Collection method: clinical testing. Allele origin: germline.
Comment: Published functional studies suggest a damaging effect via reduced transcriptional activity (PMID: 11121187); In silico analysis supports a deleterious effect on protein structure/function; In-frame deletion of 1 amino acid(s) in a non-repeat region; Not observed at significant frequency in large population cohorts (gnomAD); This variant is associated with the following publications: (PMID: 11121187)